The following is an entry in ClinVar:

ClinVar aggregate classification (germline): Pathogenic (1 of 4 stars; one submission).

Conditions:
Androgen resistance syndrome (AIS). Also called: ANDROGEN RECEPTOR DEFICIENCY; DIHYDROTESTOSTERONE RECEPTOR DEFICIENCY; TESTICULAR FEMINIZATION SYNDROME; Androgen insensitivity syndrome; Androgen insensitivity, complete; DHTR DEFICIENCY. Identifiers: Orphanet 754, Orphanet 99429, MedGen C0039585, MONDO:0019154, OMIM 300068. Disease mechanism: loss of function.
Kennedy disease (SMAX1). Also called: KENNEDY SPINAL AND BULBAR MUSCULAR ATROPHY; Spinal and Bulbar Muscular Atrophy; SPINAL AND BULBAR MUSCULAR ATROPHY, X-LINKED 1. Identifiers: Orphanet 481, MedGen C1839259, MONDO:0010735, OMIM 313200.

Submission:

Labcorp Genetics (formerly Invitae), Labcorp
Classification: Pathogenic for Kennedy disease; Androgen resistance syndrome. Last evaluated: 2020-02-27. Review status: criteria provided, single submitter. Criteria: Invitae Variant Classification Sherloc (09022015). Collection method: clinical testing. Allele origin: germline.
Comment: For these reasons, this variant has been classified as Pathogenic. This sequence change creates a premature translational stop signal (p.Cys580Alafs*46) in the AR gene. It is expected to result in an absent or disrupted protein product. This variant is not present in population databases (ExAC no frequency). This variant has not been reported in the literature in individuals with AR-related conditions. Loss-of-function variants in AR are known to be pathogenic (PMID: 19463997).

Literature cited by the submitters: PubMed 19463997.

NM_000044.6(AR):c.1737del (p.Cys580fs)

Gene: AR (androgen receptor; plus strand). Cytogenetic location: Xq12.
Variant type: Deletion.
Coding change: c.1737del on transcript NM_000044.6 (MANE Select); coding-DNA position 1737, one base deleted (C; older notation c.1737delC).
Protein change: p.Cys580fs; shifts the reading frame from cysteine 580.
Molecular consequence: frameshift variant. On other transcripts: intron variant (1).
Genome position (GRCh38, 1-based): chrX:67,643,376, C deleted. VCF-style (leftmost placement, unchanged base first): chrX-67643375-GC-G. GRCh37 (hg19) VCF-style: chrX-66863217-GC-G.
Other names: c.141del, p.Cys48fs (NM_001011645.3); c.1737del, p.Cys580fs (NM_001348061.1, NM_001348063.1); c.1617-42565del (NM_001348064.1); short protein forms C48fs, C580fs.
Identifiers: ClinVar variation 1072748 (VCV001072748.7), dbSNP rs2147436590, ClinGen allele CA2499226802.